The following is an entry in ClinVar:

ClinVar aggregate classification (germline): Uncertain significance (1 of 4 stars; one submission).

Conditions:
Camptomelic dysplasia (CMPD). Also called: CMPD1/SRA1; Campomelic Dysplasia. Identifiers: Orphanet 140, MedGen C1861922, MONDO:0007251, OMIM 114290.

Submission:

Labcorp Genetics (formerly Invitae), Labcorp
Classification: Uncertain significance for Camptomelic dysplasia. Last evaluated: 2025-01-05. Review status: criteria provided, single submitter. Criteria: Invitae Variant Classification Sherloc (09022015). Collection method: clinical testing. Allele origin: germline.
Comment: This sequence change affects codon 228 of the SOX9 mRNA. It is a 'silent' change, meaning that it does not change the encoded amino acid sequence of the SOX9 protein. It affects a nucleotide within the consensus splice site. This variant is present in population databases (no rsID available, gnomAD 0.007%). This variant has not been reported in the literature in individuals affected with SOX9-related conditions. Algorithms developed to predict the effect of sequence changes on RNA splicing suggest that this variant is not likely to affect RNA splicing. In summary, the available evidence is currently insufficient to determine the role of this variant in disease. Therefore, it has been classified as a Variant of Uncertain Significance.

NM_000346.4(SOX9):c.684G>T (p.Ser228=)

Gene: SOX9 (SRY-box transcription factor 9; plus strand). Cytogenetic location: 17q24.3.
Variant type: single nucleotide variant.
Coding change: c.684G>T on transcript NM_000346.4 (MANE Select); coding-DNA position 684, G replaced by T.
Protein change: p.Ser228=; no amino-acid change (serine 228 retained).
Molecular consequence: synonymous variant.
Genome position (GRCh38, 1-based): chr17:72,122,971, G>T. VCF-style: chr17-72122971-G-T. GRCh37 (hg19) VCF-style: chr17-70119112-G-T.
Identifiers: ClinVar variation 3719501 (VCV003719501.2).